The following is an entry in ClinVar:

NM_016507.4(CDK12):c.439A>C (p.Ile147Leu)

Genes: CDK12 (cyclin dependent kinase 12; plus strand), LOC126862553 (CDK7 strongly-dependent group 2 enhancer GRCh37_chr17:37618166-37619365; plus strand). Cytogenetic location: 17q12.
Variant type: single nucleotide variant.
Coding change: c.439A>C on transcript NM_016507.4 (MANE Select); coding-DNA position 439, A replaced by C.
Protein change: p.Ile147Leu; replaces isoleucine 147 with leucine.
Molecular consequence: missense variant.
Genome position (GRCh38, 1-based): chr17:39,462,510, A>C. VCF-style: chr17-39462510-A-C. GRCh37 (hg19) VCF-style: chr17-37618763-A-C.
Other names: c.439A>C, p.Ile147Leu (NM_015083.4); short protein forms I147L.
Identifiers: ClinVar variation 4224332 (VCV004224332.1).
Genomic context (GRCh38, chr17:39,462,510, plus strand): 5'-CAGACCGAAAAAGAAAAAAGCCAAGAAGTCTCCAGCAAGTCGGGATCGATGAAGGACCGG[A>C]TATCGGGAAGTTCAAAGCGTTCGAATGAGGAGACTGATGACTATGGGAAGGCGCAGGTAG-3'
Protein context (NP_057591.2, residues 137-157): SSKSGSMKDR[Ile147Leu]SGSSKRSNEE

ClinVar aggregate classification (germline): Uncertain significance (1 of 4 stars; one submission).

Submission:

Ambry Genetics
Classification: Uncertain significance. Last evaluated: 2025-08-02. Review status: criteria provided, single submitter. Criteria: Ambry Variant Classification Scheme 2023. Collection method: clinical testing. Allele origin: germline.
Comment: The p.I147L variant (also known as c.439A>C), located in coding exon 1 of the CDK12 gene, results from an A to C substitution at nucleotide position 439. The isoleucine at codon 147 is replaced by leucine, an amino acid with highly similar properties. This amino acid position is conserved. In addition, this alteration is predicted to be tolerated by in silico analysis. Based on the available evidence, the clinical significance of this variant remains unclear.